The following is an entry in ClinVar:

NM_001040108.2(MLH3):c.3368A>C (p.Gln1123Pro)

Gene: MLH3 (mutL homolog 3; minus strand). Cytogenetic location: 14q24.3.
Variant type: single nucleotide variant.
Coding change: c.3368A>C on transcript NM_001040108.2 (MANE Select); coding-DNA position 3368, A replaced by C.
Protein change: p.Gln1123Pro; replaces glutamine 1123 with proline.
Molecular consequence: missense variant.
Genome position (GRCh38, 1-based): chr14:75,042,390, T>G on the plus strand (A>C on the coding strand, the complement: MLH3 is on the minus strand). VCF-style: chr14-75042390-T-G. GRCh37 (hg19) VCF-style: chr14-75509093-T-G.
Other names: c.3368A>C, p.Gln1123Pro (NM_014381.3); short protein forms Q1123P.
Identifiers: ClinVar variation 2816161 (VCV002816161.4), dbSNP rs1233624566, ClinGen allele CA390431713.

ClinVar aggregate classification (germline): Uncertain significance. Review status: criteria provided, multiple submitters, no conflicts (2 of 4 stars). 2 submissions from 2 submitters: Uncertain significance (2). Last evaluated 2023-09-28.

Conditions:
Colorectal cancer, hereditary nonpolyposis, type 7. Identifiers: Orphanet 144, MedGen C1858380, MONDO:0013725, OMIM 614385.

Allele frequency attached by ClinVar (database versions not stated): gnomAD exomes below 0.00001.
gnomAD v4.1: 1 of 1,614,072 alleles (0.000062%); highest among the groups gnomAD compares: East Asian, 0.0022%; no homozygotes.

Submissions (2):

Ambry Genetics
Classification: Uncertain significance. Last evaluated: 2023-09-28. Review status: criteria provided, single submitter. Criteria: Ambry Variant Classification Scheme 2023. Collection method: clinical testing. Allele origin: germline.
Comment: The p.Q1123P variant (also known as c.3368A>C), located in coding exon 2 of the MLH3 gene, results from an A to C substitution at nucleotide position 3368. The glutamine at codon 1123 is replaced by proline, an amino acid with similar properties. This amino acid position is conserved. In addition, this alteration is predicted to be tolerated by in silico analysis. Since supporting evidence is limited at this time, the clinical significance of this alteration remains unclear.

Labcorp Genetics (formerly Invitae), Labcorp
Classification: Uncertain significance for Colorectal cancer, hereditary nonpolyposis, type 7. Last evaluated: 2023-08-19. Review status: criteria provided, single submitter. Criteria: Invitae Variant Classification Sherloc (09022015). Collection method: clinical testing. Allele origin: germline.
Comment: In summary, the available evidence is currently insufficient to determine the role of this variant in disease. Therefore, it has been classified as a Variant of Uncertain Significance. Algorithms developed to predict the effect of missense changes on protein structure and function output the following: SIFT: "Not Available"; PolyPhen-2: "Benign"; Align-GVGD: "Not Available". The proline amino acid residue is found in multiple mammalian species, which suggests that this missense change does not adversely affect protein function. This variant has not been reported in the literature in individuals affected with MLH3-related conditions. This variant is present in population databases (no rsID available, gnomAD 0.006%). This sequence change replaces glutamine, which is neutral and polar, with proline, which is neutral and non-polar, at codon 1123 of the MLH3 protein (p.Gln1123Pro).